The following is an entry in ClinVar:

NM_017534.6(MYH2):c.121G>A (p.Ala41Thr)

Genes: MYH2 (myosin heavy chain 2; minus strand), MYHAS (myosin heavy chain gene cluster antisense RNA; plus strand). Cytogenetic location: 17p13.1.
Variant type: single nucleotide variant.
Coding change: c.121G>A on transcript NM_017534.6 (MANE Select); coding-DNA position 121, G replaced by A.
Protein change: p.Ala41Thr; replaces alanine 41 with threonine.
Molecular consequence: missense variant.
Genome position (GRCh38, 1-based): chr17:10,547,800, C>T on the plus strand (G>A on the coding strand, the complement: MYH2 is on the minus strand). VCF-style: chr17-10547800-C-T. GRCh37 (hg19) VCF-style: chr17-10451117-C-T.
Other names: c.121G>A, p.Ala41Thr (NM_001100112.2); short protein forms A41T.
Identifiers: ClinVar variation 1307642 (VCV001307642.2), dbSNP rs2142325523, ClinGen allele CA398174047.

ClinVar aggregate classification (germline): Uncertain significance (1 of 4 stars; one submission).

Submission:

GeneDx
Classification: Uncertain significance. Last evaluated: 2020-03-09. Review status: criteria provided, single submitter. Criteria: GeneDx Variant Classification Process June 2021. Collection method: clinical testing. Allele origin: germline. Affected: yes.
Comment: Not observed in large population cohorts (Lek et al., 2016); In silico analysis, which includes protein predictors and evolutionary conservation, supports that this variant does not alter protein structure/function; Has not been previously published as pathogenic or benign to our knowledge